The following is an entry in ClinVar:

NM_152564.5(VPS13B):c.7970del (p.Gly2657fs)

Gene: VPS13B (vacuolar protein sorting 13 homolog B; plus strand). Cytogenetic location: 8q22.2.
Variant type: Deletion.
Coding change: c.7970del on transcript NM_152564.5 (MANE Select); coding-DNA position 7970, one base deleted (G; older notation c.7970delG).
Protein change: p.Gly2657fs; shifts the reading frame from glycine 2657.
Molecular consequence: frameshift variant.
Genome position (GRCh38, 1-based): chr8:99,809,403, G deleted; the last of 4 consecutive G bases (chr8:99,809,400-99,809,403); deleting any one gives the same sequence. VCF-style (leftmost placement, unchanged base first): chr8-99809399-TG-T. GRCh37 (hg19) VCF-style: chr8-100821627-TG-T.
Other names: c.8045del, p.Gly2682fs (NM_017890.5); short protein forms G2657fs, G2682fs.
Identifiers: ClinVar variation 4720353 (VCV004720353.1).

ClinVar aggregate classification (germline): Pathogenic (1 of 4 stars; one submission).

Conditions:
Cohen syndrome (COH1). Also called: Cutis verticis gyrata, retinitis pigmentosa, and sensorineural deafness; PEPPER SYNDROME. Identifiers: Orphanet 193, MedGen C0265223, MONDO:0008999, OMIM 216550.

Submission:

Labcorp Genetics (formerly Invitae), Labcorp
Classification: Pathogenic for Cohen syndrome. Last evaluated: 2025-05-27. Review status: criteria provided, single submitter. Criteria: Invitae Variant Classification Sherloc (09022015). Collection method: clinical testing. Allele origin: germline.
Comment: This sequence change creates a premature translational stop signal (p.Gly2682Alafs*60) in the VPS13B gene. It is expected to result in an absent or disrupted protein product. Loss-of-function variants in VPS13B are known to be pathogenic (PMID: 15141358, 16648375, 20461111). This variant is not present in population databases (gnomAD no frequency). This variant has not been reported in the literature in individuals affected with VPS13B-related conditions. For these reasons, this variant has been classified as Pathogenic.

Literature cited by the submitters: PubMed 15141358; PubMed 16648375; PubMed 20461111.